The following is an entry in ClinVar:

NM_001081.4(CUBN):c.94A>G (p.Arg32Gly)

Gene: CUBN (cubilin; minus strand). Cytogenetic location: 10p13.
Variant type: single nucleotide variant.
Coding change: c.94A>G on transcript NM_001081.4 (MANE Select); coding-DNA position 94, A replaced by G.
Protein change: p.Arg32Gly; replaces arginine 32 with glycine.
Molecular consequence: missense variant.
Genome position (GRCh38, 1-based): chr10:17,129,672, T>C on the plus strand (A>G on the coding strand, the complement: CUBN is on the minus strand). VCF-style: chr10-17129672-T-C. GRCh37 (hg19) VCF-style: chr10-17171671-T-C.
Other names: short protein forms R32G.
Identifiers: ClinVar variation 2175295 (VCV002175295.7), dbSNP rs549462448, ClinGen allele CA5425801.

ClinVar aggregate classification (germline): Uncertain significance. Review status: criteria provided, multiple submitters, no conflicts (2 of 4 stars). 4 submissions from 4 submitters: Uncertain significance (4). Last evaluated 2025-05-04.

Conditions:
Inborn genetic diseases. Identifiers: MedGen C0950123, MeSH D030342.
Imerslund-Grasbeck syndrome type 1 (IGS1). Also called: Imerslund-Gräsbeck syndrome 1; Megaloblastic anemia 1, Finnish type; MEGALOBLASTIC ANEMIA, 1. Identifiers: MedGen C4016819, MONDO:0100156, OMIM 261100.
Proteinuria, chronic benign. Identifiers: MedGen C5394384, MONDO:0030042, OMIM 618884.
Imerslund-Grasbeck syndrome. Also called: ENTEROCYTE COBALAMIN MALABSORPTION; ENTEROCYTE INTRINSIC FACTOR RECEPTOR, DEFECT OF; PERNICIOUS ANEMIA, JUVENILE, DUE TO SELECTIVE INTESTINAL MALABSORPTION OF VITAMIN B12, WITH PROTEINURIA; Imerslund-Gräsbeck syndrome; Megaloblastic anemia due to inborn errors of metabolism. Identifiers: Orphanet 35858, MedGen C4551825, MONDO:0009853.

Allele frequency attached by ClinVar (database versions not stated): gnomAD exomes 0.00002; 1000 Genomes Project 0.00020; gnomAD 0.00001; ExAC 0.00005; TOPMed below 0.00001; 1000 Genomes Project 30x 0.00016.
gnomAD v4.1: 31 of 1,614,176 alleles (0.0019%); highest among the groups gnomAD compares: South Asian, 0.029%; no homozygotes.

Submissions (4):

Ambry Genetics
Classification: Uncertain significance for Inborn genetic diseases. Last evaluated: 2025-05-04. Review status: criteria provided, single submitter. Criteria: Ambry Variant Classification Scheme 2023. Collection method: clinical testing. Allele origin: germline.

GeneDx
Classification: Uncertain significance. Last evaluated: 2025-03-03. Review status: criteria provided, single submitter. Criteria: GeneDx Variant Classification Process June 2021. Collection method: clinical testing. Allele origin: germline. Affected: yes.
Comment: In silico analysis indicates that this missense variant does not alter protein structure/function; Has not been previously published as pathogenic or benign to our knowledge

Fulgent Genetics
Classification: Uncertain significance for Imerslund-Grasbeck syndrome type 1; Proteinuria, chronic benign. Last evaluated: 2024-01-29. Review status: criteria provided, single submitter. Criteria: ACMG Guidelines, 2015. Collection method: clinical testing. Allele origin: germline.

Labcorp Genetics (formerly Invitae), Labcorp
Classification: Uncertain significance for Imerslund-Grasbeck syndrome. Last evaluated: 2022-08-16. Review status: criteria provided, single submitter. Criteria: Invitae Variant Classification Sherloc (09022015). Collection method: clinical testing. Allele origin: germline.
Comment: This sequence change replaces arginine, which is basic and polar, with glycine, which is neutral and non-polar, at codon 32 of the CUBN protein (p.Arg32Gly). In summary, the available evidence is currently insufficient to determine the role of this variant in disease. Therefore, it has been classified as a Variant of Uncertain Significance. Algorithms developed to predict the effect of missense changes on protein structure and function (SIFT, PolyPhen-2, Align-GVGD) all suggest that this variant is likely to be tolerated. This variant has not been reported in the literature in individuals affected with CUBN-related conditions. This variant is present in population databases (rs549462448, gnomAD 0.05%).